The following is an entry in ClinVar:

NM_000051.4(ATM):c.6943A>C (p.Met2315Leu)

Genes: ATM (ATM serine/threonine kinase; plus strand), C11orf65 (chromosome 11 open reading frame 65; minus strand). Cytogenetic location: 11q22.3.
Variant type: single nucleotide variant.
Coding change: c.6943A>C on transcript NM_000051.4 (MANE Select); coding-DNA position 6943, A replaced by C.
Protein change: p.Met2315Leu; replaces methionine 2315 with leucine.
Molecular consequence: missense variant. On other transcripts: intron variant (2).
Genome position (GRCh38, 1-based): chr11:108,326,193, A>C. VCF-style: chr11-108326193-A-C. GRCh37 (hg19) VCF-style: chr11-108196920-A-C.
Other names: c.6943A>C, p.Met2315Leu (NM_001351834.2); c.641-17122T>G (NM_001330368.2); c.*38+9027T>G (NM_001351110.2); short protein forms M2315L.
Identifiers: ClinVar variation 4825531 (VCV004825531.1).

ClinVar aggregate classification (germline): Uncertain significance (1 of 4 stars; one submission).

Conditions:
Hereditary cancer-predisposing syndrome. Also called: Tumor predisposition; Hereditary neoplastic syndrome; Hereditary Cancer Syndrome; Neoplastic Syndromes, Hereditary. Identifiers: Orphanet 140162, MedGen C0027672, MeSH D009386, MONDO:0015356.

Submission:

Ambry Genetics
Classification: Uncertain significance for Hereditary cancer-predisposing syndrome. Last evaluated: 2026-02-18. Review status: criteria provided, single submitter. Criteria: Ambry Variant Classification Scheme 2023. Collection method: clinical testing. Allele origin: germline.
Comment: The p.M2315L variant (also known as c.6943A>C), located in coding exon 46 of the ATM gene, results from an A to C substitution at nucleotide position 6943. The methionine at codon 2315 is replaced by leucine, an amino acid with highly similar properties. This amino acid position is highly conserved in available vertebrate species. In addition, this alteration is predicted to be tolerated by in silico analysis. Based on the available evidence, the clinical significance of this variant remains unclear.